The following is an entry in ClinVar:

NM_016284.5(CNOT1):c.2891+5G>A

Gene: CNOT1 (CCR4-NOT transcription complex subunit 1; minus strand). Cytogenetic location: 16q21.
Variant type: single nucleotide variant.
Coding change: c.2891+5G>A on transcript NM_016284.5 (MANE Select); 5 bases into the intron after coding-DNA position 2891, G replaced by A.
Molecular consequence: intron variant.
Genome position (GRCh38, 1-based): chr16:58,555,246, C>T on the plus strand (G>A on the coding strand, the complement: CNOT1 is on the minus strand). VCF-style: chr16-58555246-C-T. GRCh37 (hg19) VCF-style: chr16-58589150-C-T.
Other names: c.2876+5G>A (NM_001265612.2); c.2891+5G>A (NM_206999.3).
Identifiers: ClinVar variation 4744343 (VCV004744343.1).

ClinVar aggregate classification (germline): Uncertain significance (1 of 4 stars; one submission).

Submission:

Labcorp Genetics (formerly Invitae), Labcorp
Classification: Uncertain significance. Last evaluated: 2025-02-13. Review status: criteria provided, single submitter. Criteria: Invitae Variant Classification Sherloc (09022015). Collection method: clinical testing. Allele origin: germline.
Comment: This sequence change falls in intron 21 of the CNOT1 gene. It does not directly change the encoded amino acid sequence of the CNOT1 protein. It affects a nucleotide within the consensus splice site. This variant is not present in population databases (gnomAD no frequency). This variant has not been reported in the literature in individuals affected with CNOT1-related conditions. Variants that disrupt the consensus splice site are a relatively common cause of aberrant splicing (PMID: 17576681, 9536098). Algorithms developed to predict the effect of sequence changes on RNA splicing suggest that this variant is not likely to affect RNA splicing. In summary, the available evidence is currently insufficient to determine the role of this variant in disease. Therefore, it has been classified as a Variant of Uncertain Significance.

Literature cited by the submitters: PubMed 17576681; PubMed 9536098.